The following is an entry in ClinVar:

ClinVar aggregate classification (germline): Uncertain significance (1 of 4 stars; one submission).

Submission:

Labcorp Genetics (formerly Invitae), Labcorp
Classification: Uncertain significance. Last evaluated: 2025-10-10. Review status: criteria provided, single submitter. Criteria: Invitae Variant Classification Sherloc (09022015). Collection method: clinical testing. Allele origin: germline.
Comment: This variant, c.1279_1281del, results in the deletion of 1 amino acid(s) of the MTOR protein (p.Glu427del), but otherwise preserves the integrity of the reading frame. This variant is not present in population databases (gnomAD no frequency). This variant has not been reported in the literature in individuals affected with MTOR-related conditions. Experimental studies and prediction algorithms are not available or were not evaluated, and the functional significance of this variant is currently unknown. In summary, the available evidence is currently insufficient to determine the role of this variant in disease. Therefore, it has been classified as a Variant of Uncertain Significance.

NM_004958.4(MTOR):c.1279_1281del (p.Glu427del)

Gene: MTOR (mechanistic target of rapamycin kinase; minus strand). Cytogenetic location: 1p36.22.
Variant type: Deletion.
Coding change: c.1279_1281del on transcript NM_004958.4 (MANE Select); coding-DNA positions 1279 to 1281, 3 bases deleted (GAG; older notation c.1279_1281delGAG).
Protein change: p.Glu427del; deletes glutamic acid 427.
Genome position (GRCh38, 1-based): chr1:11,243,245-11,243,247, CTC deleted on the plus strand (GAG on the coding strand, the reverse complement: MTOR is on the minus strand); deleting any 3 consecutive bases within chr1:11,243,245-11,243,249 gives the same sequence; the c. name uses the placement nearest the transcript's 3' end. VCF-style (leftmost placement, unchanged base first): chr1-11243244-TCTC-T. GRCh37 (hg19) VCF-style: chr1-11303301-TCTC-T.
Other names: c.1279_1281del, p.Glu427del (NM_001386500.1); c.31_33del, p.Glu11del (NM_001386501.1); short protein forms E11del, E427del.
Identifiers: ClinVar variation 4812033 (VCV004812033.1).
Genomic context (GRCh38, chr1:11,243,244, plus strand): 5'-ACTCAGACCTCACAGCCACAGAAAGTAGCCCCAGGGCTTGGAAGGCCGCTGTACGTTCCT[TCTC>T]CTTCTTGACACAGCTTAGGACATGGTTCATGGTATCTTGGAGATACTGGGTATCTGAGCA-3'